The following is an entry in ClinVar:

ClinVar aggregate classification (germline): Uncertain significance (1 of 4 stars; one submission).

Submission:

Ambry Genetics
Classification: Uncertain significance. Last evaluated: 2024-12-12. Review status: criteria provided, single submitter. Criteria: Ambry Variant Classification Scheme 2023. Collection method: clinical testing. Allele origin: germline.
Comment: The p.T204R variant (also known as c.611C>G), located in coding exon 4 of the ATRIP gene, results from a C to G substitution at nucleotide position 611. The threonine at codon 204 is replaced by arginine, an amino acid with similar properties. This amino acid position is conserved. In addition, the in silico prediction for this alteration is inconclusive. Based on the available evidence, the clinical significance of this variant remains unclear.

NM_130384.3(ATRIP):c.611C>G (p.Thr204Arg)

Genes: ATRIP (ATR interacting protein; plus strand), ATRIP-TREX1 (ATRIP-TREX1 readthrough; plus strand). Cytogenetic location: 3p21.31.
Variant type: single nucleotide variant.
Coding change: c.611C>G on transcript NM_130384.3 (MANE Select); coding-DNA position 611, C replaced by G.
Protein change: p.Thr204Arg; replaces threonine 204 with arginine.
Molecular consequence: missense variant. On other transcripts: non-coding transcript variant (1).
Genome position (GRCh38, 1-based): chr3:48,454,358, C>G. VCF-style: chr3-48454358-C-G. GRCh37 (hg19) VCF-style: chr3-48495758-C-G.
Other names: c.230C>G, p.Thr77Arg (NM_001271022.2); c.332C>G, p.Thr111Arg (NM_001271023.2); c.611C>G, p.Thr204Arg (NM_032166.4); short protein forms T204R, T77R, T111R.
Identifiers: ClinVar variation 3808893 (VCV003808893.1).